The following is an entry in ClinVar:

NM_005732.4(RAD50):c.1716C>G (p.Asn572Lys)

Gene: RAD50 (RAD50 double strand break repair protein; plus strand). Cytogenetic location: 5q31.1.
Variant type: single nucleotide variant.
Coding change: c.1716C>G on transcript NM_005732.4 (MANE Select); coding-DNA position 1716, C replaced by G.
Protein change: p.Asn572Lys; replaces asparagine 572 with lysine.
Molecular consequence: missense variant.
Genome position (GRCh38, 1-based): chr5:132,591,957, C>G. VCF-style: chr5-132591957-C-G. GRCh37 (hg19) VCF-style: chr5-131927649-C-G.
Other names: short protein forms N572K.
Identifiers: ClinVar variation 2451427 (VCV002451427.2), dbSNP rs755307196, ClinGen allele CA360946493.

ClinVar aggregate classification (germline): Uncertain significance (1 of 4 stars; one submission).

Conditions:
Hereditary cancer-predisposing syndrome. Also called: Neoplastic Syndromes, Hereditary; Tumor predisposition; Hereditary neoplastic syndrome; Hereditary Cancer Syndrome. Identifiers: Orphanet 140162, MedGen C0027672, MeSH D009386, MONDO:0015356.

Submission:

Ambry Genetics
Classification: Uncertain significance for Hereditary cancer-predisposing syndrome. Last evaluated: 2023-01-31. Review status: criteria provided, single submitter. Criteria: Ambry Variant Classification Scheme 2023. Collection method: clinical testing. Allele origin: germline.
Comment: The p.N572K variant (also known as c.1716C>G), located in coding exon 11 of the RAD50 gene, results from a C to G substitution at nucleotide position 1716. The asparagine at codon 572 is replaced by lysine, an amino acid with similar properties. This amino acid position is conserved. In addition, this alteration is predicted to be tolerated by in silico analysis. Since supporting evidence is limited at this time, the clinical significance of this alteration remains unclear.